The following is an entry in ClinVar:

NM_022081.6(HPS4):c.272T>C (p.Leu91Pro)

Gene: HPS4 (HPS4 biogenesis of lysosomal organelles complex 3 subunit 2; minus strand). Cytogenetic location: 22q12.1.
Variant type: single nucleotide variant.
Coding change: c.272T>C on transcript NM_022081.6 (MANE Select); coding-DNA position 272, T replaced by C.
Protein change: p.Leu91Pro; replaces leucine 91 with proline.
Molecular consequence: missense variant. On other transcripts: non-coding transcript variant (8).
Genome position (GRCh38, 1-based): chr22:26,476,997, A>G on the plus strand (T>C on the coding strand, the complement: HPS4 is on the minus strand). VCF-style: chr22-26476997-A-G. GRCh37 (hg19) VCF-style: chr22-26872963-A-G.
Other names: c.257T>C, p.Leu86Pro (NM_152841.2); c.272T>C, p.Leu91Pro (NM_001349896.1, NM_001349898.2, NM_001349899.2 and 6 more transcripts); short protein forms L86P, L91P.
Identifiers: ClinVar variation 1691237 (VCV001691237.3), dbSNP rs2146925564, ClinGen allele CA411032333.

ClinVar aggregate classification (germline): Uncertain significance (1 of 4 stars; one submission).

Conditions:
Hermansky-Pudlak syndrome 4 (HPS4). Identifiers: Orphanet 231500, Orphanet 79430, MedGen C3484357, MONDO:0013556, OMIM 614073.

Submission:

ISTH-SSC Genomics in Thrombosis and Hemostasis, KU Leuven, Center for Molecular and Vascular Biology
Classification: Uncertain significance for Hermansky-Pudlak syndrome 4. Review status: criteria provided, single submitter. Criteria: ACMG Guidelines, 2015. Collection method: clinical testing. Allele origin: germline. Affected: yes. Observed: 1 homozygote.
Comment: Submitted to GoldVariant by Jose María Bastida and José Rivera; Grupo Español de Alteraciones Plaquetarias Congénitas (GEAPC)